The following is an entry in ClinVar:

ClinVar aggregate classification (germline): Uncertain significance (1 of 4 stars; one submission).

Conditions:
Inborn genetic diseases. Identifiers: MedGen C0950123, MeSH D030342.

gnomAD v4.1: 9 of 1,613,940 alleles (0.00056%); highest among the groups gnomAD compares: Non-Finnish European, 0.00076%; no homozygotes.

Submission:

Ambry Genetics
Classification: Uncertain significance for Inborn genetic diseases. Last evaluated: 2026-04-30. Review status: criteria provided, single submitter. Criteria: Ambry Variant Classification Scheme 2023. Collection method: clinical testing. Allele origin: germline.
Comment: The p.Q96L variant (also known as c.287A>T), located in coding exon 2 of the G6PC3 gene, results from an A to T substitution at nucleotide position 287. The glutamine at codon 96 is replaced by leucine, an amino acid with dissimilar properties. This amino acid position is conserved. In addition, this alteration is predicted to be tolerated by in silico analysis. Based on the available evidence, the clinical significance of this variant remains unclear.

NM_138387.4(G6PC3):c.287A>T (p.Gln96Leu)

Gene: G6PC3 (glucose-6-phosphatase catalytic subunit 3; plus strand). Cytogenetic location: 17q21.31.
Variant type: single nucleotide variant.
Coding change: c.287A>T on transcript NM_138387.4 (MANE Select); coding-DNA position 287, A replaced by T.
Protein change: p.Gln96Leu; replaces glutamine 96 with leucine.
Molecular consequence: missense variant. On other transcripts: 5 prime UTR variant (4).
Genome position (GRCh38, 1-based): chr17:44,074,228, A>T. VCF-style: chr17-44074228-A-T. GRCh37 (hg19) VCF-style: chr17-42151596-A-T.
Other names: c.287A>T, p.Gln96Leu (NM_001319945.2); c.-59A>T (NM_001384165.1, NM_001384166.1, NM_001384167.1 and 1 more transcripts); short protein forms Q96L.
Identifiers: ClinVar variation 4871595 (VCV004871595.1).